The following is an entry in ClinVar:

ClinVar aggregate classification (germline): Likely pathogenic. Review status: reviewed by expert panel (3 of 4 stars). 2 submissions from 2 submitters: Likely pathogenic (1). 1 of the submissions does not count toward it. Last evaluated 2026-01-20.

Conditions:
Bernard Soulier syndrome (BSS). Also called: BLEEDING DISORDER, PLATELET-TYPE, 1; GLYCOPROTEIN Ib, PLATELET, DEFICIENCY OF; PLATELET GLYCOPROTEIN Ib DEFICIENCY; VON WILLEBRAND FACTOR RECEPTOR DEFICIENCY; Giant platelet syndrome; Hemorrhagiparous thrombocytic dystrophy. Identifiers: Orphanet 274, MedGen C0005129, MeSH D001606, MONDO:0009276, OMIM 231200.

Submissions (2):

ClinGen Platelet Disorders Variant Curation Expert Panel, ClinGen
Classification: Likely pathogenic for Bernard Soulier syndrome. Last evaluated: 2026-01-20. Review status: reviewed by expert panel. Criteria: ClinGen Platelet ACMG Specifications GP1BB V1.0.0. Collection method: curation. Allele origin: germline. Inheritance: Autosomal recessive inheritance.
Comment: The c.491dup (p.His164GlnfsTer145) variant in GP1BB is a frameshift variant that may cause a premature stop codon that is predicted to escape nonsense mediated decay, however the truncation includes the functionally important transmembrane domain in a gene where loss-of-function is an established disease mechanism (PVS1_Strong). At least one patient (Patient P3 in PMID: 21173099) with this variant had less than 10% expression of GPIba, GP1bb and GP9 measured by flow cytometry, which is highly specific for Bernard-Soulier syndrome. Platelet aggregation in response to ristocetin was reported as 10% of controls in this patient. Additionally, the patient had excessive mucocutaneous bleeding which is consistent with Bernard-Soulier syndrome (PP4). This variant is absent from gnomAD v4.1.0 (PM2_Supporting). In summary, this variant meets the criteria to be classified as Likely Pathogenic for autosomal recessive Bernard-Soulier syndrome based on the ACMG/AMP criteria applied, as specified by the ClinGen PD VCEP: PVS1_Strong, PP4, PM3_Supporting, and PM2_Supporting (VCEP specifications version 1.1).

ISTH-SSC Genomics in Thrombosis and Hemostasis, KU Leuven, Center for Molecular and Vascular Biology
Classification: Likely pathogenic for Bernard Soulier syndrome. Review status: criteria provided, single submitter. Criteria: ACMG Guidelines, 2015. Collection method: clinical testing. Allele origin: germline. Affected: yes. Observed: 1 heterozygote. Not counted in ClinVar's aggregate classification.
Comment: Submitted to GoldVariant by Kathleen Freson, Center for Molecular and Vascular Biology, Leuven, Belgium

NM_000407.5(GP1BB):c.491dup (p.His164fs)

Genes: GP1BB (glycoprotein Ib platelet subunit beta; plus strand), SEPT5-GP1BB (SEPT5-GP1BB readthrough; plus strand). Cytogenetic location: 22q11.21.
Variant type: Duplication.
Coding change: c.491dup on transcript NM_000407.5 (MANE Select); coding-DNA position 491, one base duplicated (A; older notation c.491dupA).
Protein change: p.His164fs; shifts the reading frame from histidine 164.
Molecular consequence: frameshift variant. On other transcripts: non-coding transcript variant (2).
Genome position (GRCh38, 1-based): chr22:19,724,334, A duplicated. VCF-style (leftmost placement, unchanged base first): chr22-19724333-C-CA. GRCh37 (hg19) VCF-style: chr22-19711856-C-CA.
Other names: NM_000407.5(GP1BB):c.491dup; p.His164fs; short protein forms H164fs.
Identifiers: ClinVar variation 1703859 (VCV001703859.2), dbSNP rs2517805607, ClinGen allele CA2580099106.